The following is an entry in ClinVar:

ClinVar aggregate classification (germline): Uncertain significance (1 of 4 stars; one submission).

Conditions:
PCSK1-related disorder. Also called: PCSK1-related condition.

Submission:

PreventionGenetics, part of Exact Sciences
Classification: Uncertain significance for PCSK1-related condition. Last evaluated: 2026-07-20. Review status: criteria provided, single submitter. Criteria: ACMG Guidelines, 2015. Collection method: clinical testing. Allele origin: germline.
Comment: The PCSK1 c.1220T>G variant is predicted to result in the amino acid substitution p.Met407Arg. To our knowledge, this variant has not been reported in the literature or in a large population database (gnomAD), indicating this variant is rare. This variant was observed in a cohort of individuals with obesity, and in vitro functional studies showed strong evidence of loss of function (Supplemental Data Set, Shah et al. 2023. PubMed ID: 36864747). At this time, the clinical significance of this variant is uncertain due to the absence of conclusive functional and genetic evidence.

NM_000439.5(PCSK1):c.1220T>G (p.Met407Arg)

Genes: CAST (calpastatin; plus strand), PCSK1 (proprotein convertase subtilisin/kexin type 1; minus strand), LOC101929710 (uncharacterized LOC101929710; plus strand). Cytogenetic location: 5q15.
Variant type: single nucleotide variant.
Coding change: c.1220T>G on transcript NM_000439.5 (MANE Select); coding-DNA position 1220, T replaced by G.
Protein change: p.Met407Arg; replaces methionine 407 with arginine.
Molecular consequence: missense variant. On other transcripts: intron variant (11).
Genome position (GRCh38, 1-based): chr5:96,400,163, A>C on the plus strand (T>G on the coding strand, the complement: PCSK1 is on the minus strand). VCF-style: chr5-96400163-A-C. GRCh37 (hg19) VCF-style: chr5-95735867-A-C.
Other names: c.1079T>G, p.Met360Arg (NM_001177875.2); c.-175+20511A>C (NM_001423254.1, NM_001423259.1, NM_001423255.1 and 6 more transcripts); c.-103+20511A>C (NM_001423253.1); c.-40+20511A>C (NM_001423258.1); short protein forms M360R, M407R.
Identifiers: ClinVar variation 4992463 (VCV004992463.1).
Genomic context (GRCh38, chr5:96,400,163, plus strand): 5'-TTCCATCCAGGGTTATTGGCCAGCGGGTCATACTCAGAGGTCCAGACAACCAGGTGCTGC[A>C]TATCTCGCCAGGTGAGATTTGGGCTGGAGGGGAAGTGACCCAAAGTGTCTTTCAGAGAAA-3'
Protein context (NP_000430.3, residues 397-417): EANPNLTWRD[Met407Arg]QHLVVWTSEY